The following is an entry in ClinVar:

NM_001127464.1:c.11263C>T

Gene: ZNF469 (zinc finger protein 469; plus strand).
Variant type: single nucleotide variant.
Identifiers: ClinVar variation 4824456 (VCV004824456.1).

ClinVar aggregate classification (germline): Uncertain significance (1 of 4 stars; one submission).

Conditions:
Cardiovascular phenotype. Identifiers: MedGen CN230736.

Submission:

Ambry Genetics
Classification: Uncertain significance for Cardiovascular phenotype. Last evaluated: 2026-01-23. Review status: criteria provided, single submitter. Criteria: Ambry Variant Classification Scheme 2023. Collection method: clinical testing. Allele origin: germline.
Comment: The p.R3755* variant (also known as c.11263C>T), located in coding exon 2 of the ZNF469 gene, results from a C to T substitution at nucleotide position 11263. This changes the amino acid from an arginine to a stop codon within coding exon 2. This variant occurs at the 3' terminus of the gene, is not expected to trigger nonsense-mediated mRNAdecay, and impacts the last 1% of the protein. The exact functional effect of this variant is unknown. Based on the available evidence, the clinical significance of this variant remains unclear.